The following is an entry in ClinVar:

NM_016148.5(SHANK1):c.2680G>A (p.Ala894Thr)

Gene: SHANK1 (SH3 and multiple ankyrin repeat domains 1; minus strand). Cytogenetic location: 19q13.33.
Variant type: single nucleotide variant.
Coding change: c.2680G>A on transcript NM_016148.5 (MANE Select); coding-DNA position 2680, G replaced by A.
Protein change: p.Ala894Thr; replaces alanine 894 with threonine.
Molecular consequence: missense variant.
Genome position (GRCh38, 1-based): chr19:50,669,280, C>T on the plus strand (G>A on the coding strand, the complement: SHANK1 is on the minus strand). VCF-style: chr19-50669280-C-T. GRCh37 (hg19) VCF-style: chr19-51172537-C-T.
Other names: short protein forms A894T.
Identifiers: ClinVar variation 4886149 (VCV004886149.2).

ClinVar aggregate classification (germline): Uncertain significance (1 of 4 stars; one submission).

gnomAD v4.1: 2 of 1,607,574 alleles (0.00012%); highest among the groups gnomAD compares: East Asian, 0.0022%; no homozygotes.

Submission:

Dasa
Classification: Uncertain significance. Last evaluated: 2025-11-07. Review status: criteria provided, single submitter. Criteria: DASA Assertion Criteria. Collection method: clinical testing. Allele origin: germline.
Comment: NM_016148.5(SHANK1):c.2680G>A (p.Ala894Thr) is a missense variant that results in the substitution of alanine with threonine. This variant is rare in population databases. Computational prediction algorithms are consistent with a benign effect. The currently available literature and clinical evidence are not sufficient to establish a definitive association between this variant and the reported condition. Therefore, this variant is classified as a variant of uncertain significance.